The following is an entry in ClinVar:

NM_000448.3(RAG1):c.2275C>T (p.Arg759Cys)

Gene: RAG1 (recombination activating 1; plus strand). Cytogenetic location: 11p12.
Variant type: single nucleotide variant.
Coding change: c.2275C>T on transcript NM_000448.3 (MANE Select); coding-DNA position 2275, C replaced by T.
Protein change: p.Arg759Cys; replaces arginine 759 with cysteine.
Molecular consequence: missense variant.
Genome position (GRCh38, 1-based): chr11:36,575,579, C>T. VCF-style: chr11-36575579-C-T. GRCh37 (hg19) VCF-style: chr11-36597129-C-T.
Other names: c.2275C>T, p.Arg759Cys (NM_001377277.1, NM_001377278.1, NM_001377279.1 and 1 more transcripts); short protein forms R759C.
Identifiers: ClinVar variation 859248 (VCV000859248.13), dbSNP rs749027430, ClinGen allele CA5950239.

ClinVar aggregate classification (germline): Likely pathogenic. Review status: criteria provided, multiple submitters, no conflicts (2 of 4 stars). 3 submissions from 3 submitters: Likely pathogenic (3). Last evaluated 2024-02-15.

Conditions:
Severe combined immunodeficiency, autosomal recessive, T cell-negative, B cell-negative, NK cell-positive. Also called: SCID, T CELL-NEGATIVE, B CELL-NEGATIVE, NK CELL-POSITIVE; SCID, AR, T-cell negative, B-cell negative, NK cell-positive; Severe combined immunodeficiency due to complete RAG1/2 deficiency. Identifiers: Orphanet 331206, MedGen C1832322, MONDO:0011086, OMIM 601457.
Combined immunodeficiency with skin granulomas. Identifiers: Orphanet 157949, MedGen C2673536, MONDO:0009306, OMIM 233650.
Combined immunodeficiency due to partial RAG1 deficiency. Identifiers: Orphanet 231154, MedGen C1835931, MONDO:0012359, OMIM 609889.
Histiocytic medullary reticulosis. Also called: SEVERE COMBINED IMMUNODEFICIENCY WITH HYPEREOSINOPHILIA; Omenn syndrome. Identifiers: Orphanet 39041, MedGen C2700553, MONDO:0011338, OMIM 603554.

Allele frequency attached by ClinVar (database versions not stated): gnomAD exomes below 0.00001 and 0.00001; ExAC 0.00001.
gnomAD v4.1: 8 of 1,614,184 alleles (0.0005%); highest among the groups gnomAD compares: South Asian, 0.0011%; no homozygotes.

Submissions (3):

Labcorp Genetics (formerly Invitae), Labcorp
Classification: Likely pathogenic for Combined immunodeficiency with skin granulomas; Severe combined immunodeficiency, autosomal recessive, T cell-negative, B cell-negative, NK cell-positive. Last evaluated: 2024-02-15. Review status: criteria provided, single submitter. Criteria: Invitae Variant Classification Sherloc (09022015). Collection method: clinical testing. Allele origin: germline.
Comment: This sequence change replaces arginine, which is basic and polar, with cysteine, which is neutral and slightly polar, at codon 759 of the RAG1 protein (p.Arg759Cys). This variant is present in population databases (rs749027430, gnomAD 0.003%). This missense change has been observed in individual(s) with RAG1-related conditions (PMID: 20109747, 24418478, 30858051, 31520268, 32888943, 36279417; Invitae). In at least one individual the data is consistent with being in trans (on the opposite chromosome) from a pathogenic variant. ClinVar contains an entry for this variant (Variation ID: 859248). Advanced modeling of protein sequence and biophysical properties (such as structural, functional, and spatial information, amino acid conservation, physicochemical variation, residue mobility, and thermodynamic stability) has been performed at Invitae for this missense variant, however the output from this modeling did not meet the statistical confidence thresholds required to predict the impact of this variant on RAG1 protein function. Experimental studies have shown that this missense change affects RAG1 function (PMID: 24290284, 24418478). In summary, the currently available evidence indicates that the variant is pathogenic, but additional data are needed to prove that conclusively. Therefore, this variant has been classified as Likely Pathogenic.

Fulgent Genetics
Classification: Likely pathogenic for Combined immunodeficiency with skin granulomas; Severe combined immunodeficiency, autosomal recessive, T cell-negative, B cell-negative, NK cell-positive; Histiocytic medullary reticulosis; Combined immunodeficiency due to partial RAG1 deficiency. Last evaluated: 2024-02-05. Review status: criteria provided, single submitter. Criteria: ACMG Guidelines, 2015. Collection method: clinical testing. Allele origin: germline.

Baylor Genetics
Classification: Likely pathogenic for Combined immunodeficiency due to partial RAG1 deficiency. Last evaluated: 2023-11-11. Review status: criteria provided, single submitter. Criteria: ACMG Guidelines, 2015. Collection method: clinical testing. Allele origin: unknown.

Literature cited by the submitters: PubMed 20109747 (cited by Labcorp Genetics (formerly Invitae), Labcorp); PubMed 24418478 (cited by Labcorp Genetics (formerly Invitae), Labcorp); PubMed 30858051 (cited by Labcorp Genetics (formerly Invitae), Labcorp); PubMed 31520268 (cited by Labcorp Genetics (formerly Invitae), Labcorp); PubMed 32888943 (cited by Labcorp Genetics (formerly Invitae), Labcorp); PubMed 36279417 (cited by Labcorp Genetics (formerly Invitae), Labcorp); PubMed 24290284 (cited by Labcorp Genetics (formerly Invitae), Labcorp).